The following is an entry in ClinVar:

ClinVar aggregate classification (germline): Uncertain significance (1 of 4 stars; one submission).

Conditions:
Noonan syndrome 9 (NS9). Identifiers: Orphanet 648, MedGen C4225282, MONDO:0014691, OMIM 616559.

gnomAD v4.1: 1 of 1,613,696 alleles (0.000062%); highest among the groups gnomAD compares: Non-Finnish European, 0.000085%; no homozygotes.

Submission:

Labcorp Genetics (formerly Invitae), Labcorp
Classification: Uncertain significance for Noonan syndrome 9. Last evaluated: 2025-08-11. Review status: criteria provided, single submitter. Criteria: Invitae Variant Classification Sherloc (09022015). Collection method: clinical testing. Allele origin: germline.
Comment: This sequence change replaces histidine, which is basic and polar, with glutamine, which is neutral and polar, at codon 414 of the SOS2 protein (p.His414Gln). This variant is not present in population databases (gnomAD no frequency). This variant has not been reported in the literature in individuals affected with SOS2-related conditions. ClinVar contains an entry for this variant (Variation ID: 2852507). Invitae Evidence Modeling of protein sequence and biophysical properties (such as structural, functional, and spatial information, amino acid conservation, physicochemical variation, residue mobility, and thermodynamic stability) indicates that this missense variant is not expected to disrupt SOS2 protein function with a negative predictive value of 95%. In summary, the available evidence is currently insufficient to determine the role of this variant in disease. Therefore, it has been classified as a Variant of Uncertain Significance.

NM_006939.4(SOS2):c.1242C>G (p.His414Gln)

Gene: SOS2 (SOS Ras/Rho guanine nucleotide exchange factor 2; minus strand). Cytogenetic location: 14q21.3.
Variant type: single nucleotide variant.
Coding change: c.1242C>G on transcript NM_006939.4 (MANE Select); coding-DNA position 1242, C replaced by G.
Protein change: p.His414Gln; replaces histidine 414 with glutamine.
Molecular consequence: missense variant.
Genome position (GRCh38, 1-based): chr14:50,160,041, G>C on the plus strand (C>G on the coding strand, the complement: SOS2 is on the minus strand). VCF-style: chr14-50160041-G-C. GRCh37 (hg19) VCF-style: chr14-50626759-G-C.
Other names: c.1143C>G, p.His381Gln (NM_001411020.1); short protein forms H381Q, H414Q.
Identifiers: ClinVar variation 2852507 (VCV002852507.3), dbSNP rs746441669, ClinGen allele CA389646239.